The following is an entry in ClinVar:

ClinVar aggregate classification (germline): Uncertain significance (1 of 4 stars; one submission).

Submission:

Ambry Genetics
Classification: Uncertain significance. Last evaluated: 2026-08-31. Review status: criteria provided, single submitter. Criteria: Ambry Variant Classification Scheme 2023. Collection method: clinical testing. Allele origin: germline.
Comment: The p.I288M variant (also known as c.864A>G), located in coding exon 6 of the ATRIP gene, results from an A to G substitution at nucleotide position 864. The isoleucine at codon 288 is replaced by methionine, an amino acid with highly similar properties. This amino acid position is conserved. In addition, this alteration is predicted to be tolerated by in silico analysis. Based on the available evidence, the clinical significance of this variant remains unclear.

NM_130384.3(ATRIP):c.864A>G (p.Ile288Met)

Genes: ATRIP (ATR interacting protein; plus strand), ATRIP-TREX1 (ATRIP-TREX1 readthrough; plus strand). Cytogenetic location: 3p21.31.
Variant type: single nucleotide variant.
Coding change: c.864A>G on transcript NM_130384.3 (MANE Select); coding-DNA position 864, A replaced by G.
Protein change: p.Ile288Met; replaces isoleucine 288 with methionine.
Molecular consequence: missense variant. On other transcripts: non-coding transcript variant (1).
Genome position (GRCh38, 1-based): chr3:48,459,393, A>G. VCF-style: chr3-48459393-A-G. GRCh37 (hg19) VCF-style: chr3-48500792-A-G.
Other names: c.483A>G, p.Ile161Met (NM_001271022.2); c.585A>G, p.Ile195Met (NM_001271023.2); c.864A>G, p.Ile288Met (NM_032166.4); short protein forms I288M, I195M, I161M.
Identifiers: ClinVar variation 5032478 (VCV005032478.1).